The following is an entry in ClinVar:

NM_005996.4(TBX3):c.756G>C (p.Leu252Phe)

Gene: TBX3 (T-box transcription factor 3; minus strand). Cytogenetic location: 12q24.21.
Variant type: single nucleotide variant.
Coding change: c.756G>C on transcript NM_005996.4 (MANE Select); coding-DNA position 756, G replaced by C.
Protein change: p.Leu252Phe; replaces leucine 252 with phenylalanine.
Molecular consequence: missense variant.
Genome position (GRCh38, 1-based): chr12:114,679,553, C>G on the plus strand (G>C on the coding strand, the complement: TBX3 is on the minus strand). VCF-style: chr12-114679553-C-G. GRCh37 (hg19) VCF-style: chr12-115117358-C-G.
Other names: c.756G>C (NM_005996.3); c.816G>C, p.Leu272Phe (NM_016569.4); short protein forms L272F, L252F.
Identifiers: ClinVar variation 2895862 (VCV002895862.4), dbSNP rs746325292, ClinGen allele CA6810100.
Genomic context (GRCh38, chr12:114,679,553, plus strand): 5'-CCTTGAGTTTACCTTATCATTCTGGTATGCAGTCACAGCGATGAATTCAGTTTCGGGGAA[C>G]AAGTATGTCCGAAATGTACTATAAGGGAGTTTCAAGATGTCATTGGCTCTTACAATGTGG-3'
Protein context (NP_005987.3, residues 242-262): KLPYSTFRTY[Leu252Phe]FPETEFIAVT

ClinVar aggregate classification (germline): Uncertain significance. Review status: criteria provided, multiple submitters, no conflicts (2 of 4 stars). 2 submissions from 2 submitters: Uncertain significance (2). Last evaluated 2024-11-13.

Conditions:
Inborn genetic diseases. Identifiers: MedGen C0950123, MeSH D030342.
Ulnar-mammary syndrome (UMS). Also called: Ulnar-mammary syndrome of Pallister; SCHINZEL SYNDROME; PALLISTER ULNAR-MAMMARY SYNDROME. Identifiers: Orphanet 3138, MedGen C1866994, MONDO:0008411, OMIM 181450.

Allele frequency attached by ClinVar (database versions not stated): gnomAD 0.00001; TOPMed 0.00001.
gnomAD v4.1: 12 of 1,614,052 alleles (0.00074%); highest among the groups gnomAD compares: South Asian, 0.0099%; no homozygotes.

Submissions (2):

Ambry Genetics
Classification: Uncertain significance for Inborn genetic diseases. Last evaluated: 2024-11-13. Review status: criteria provided, single submitter. Criteria: Ambry Variant Classification Scheme 2023. Collection method: clinical testing. Allele origin: germline.

Labcorp Genetics (formerly Invitae), Labcorp
Classification: Uncertain significance for Ulnar-mammary syndrome. Last evaluated: 2024-01-18. Review status: criteria provided, single submitter. Criteria: Invitae Variant Classification Sherloc (09022015). Collection method: clinical testing. Allele origin: germline.
Comment: This sequence change replaces leucine, which is neutral and non-polar, with phenylalanine, which is neutral and non-polar, at codon 252 of the TBX3 protein (p.Leu252Phe). This variant is present in population databases (rs746325292, gnomAD 0.006%). This variant has not been reported in the literature in individuals affected with TBX3-related conditions. An algorithm developed to predict the effect of missense changes on protein structure and function (PolyPhen-2) suggests that this variant is likely to be disruptive. In summary, the available evidence is currently insufficient to determine the role of this variant in disease. Therefore, it has been classified as a Variant of Uncertain Significance.